The following is an entry in ClinVar:

NM_006949.4(STXBP2):c.558C>G (p.Tyr186Ter)

Gene: STXBP2 (syntaxin binding protein 2; plus strand). Cytogenetic location: 19p13.2.
Variant type: single nucleotide variant.
Coding change: c.558C>G on transcript NM_006949.4 (MANE Select); coding-DNA position 558, C replaced by G.
Protein change: p.Tyr186Ter; replaces tyrosine 186 with a stop codon.
Molecular consequence: nonsense. On other transcripts: non-coding transcript variant (1).
Genome position (GRCh38, 1-based): chr19:7,641,833, C>G. VCF-style: chr19-7641833-C-G. GRCh37 (hg19) VCF-style: chr19-7706719-C-G.
Other names: c.549C>G, p.Tyr183Ter (NM_001127396.3); c.591C>G, p.Tyr197Ter (NM_001272034.2); c.462C>G, p.Tyr154Ter (NM_001414484.1); short protein forms Y154*, Y183*, Y186*, Y197*.
Identifiers: ClinVar variation 3672409 (VCV003672409.2).

ClinVar aggregate classification (germline): Pathogenic (1 of 4 stars; one submission).

Conditions:
Familial hemophagocytic lymphohistiocytosis 5. Also called: STXBP2-Related Familial Hemophagocytic Lymphohistiocytosis (STXBP2-fHLH). Identifiers: Orphanet 540, MedGen C2751293, MONDO:0013135, OMIM 613101.

Submission:

Labcorp Genetics (formerly Invitae), Labcorp
Classification: Pathogenic for Familial hemophagocytic lymphohistiocytosis 5. Last evaluated: 2025-01-19. Review status: criteria provided, single submitter. Criteria: Invitae Variant Classification Sherloc (09022015). Collection method: clinical testing. Allele origin: germline.
Comment: This sequence change creates a premature translational stop signal (p.Tyr186*) in the STXBP2 gene. It is expected to result in an absent or disrupted protein product. Loss-of-function variants in STXBP2 are known to be pathogenic (PMID: 19804848, 22451424). This variant is not present in population databases (gnomAD no frequency). This variant has not been reported in the literature in individuals affected with STXBP2-related conditions. For these reasons, this variant has been classified as Pathogenic.

Literature cited by the submitters: PubMed 19804848; PubMed 22451424.